The following is an entry in ClinVar:

ClinVar aggregate classification (germline): Uncertain significance (1 of 4 stars; one submission).

gnomAD v4.1: 3 of 1,555,800 alleles (0.00019%); highest among the groups gnomAD compares: Non-Finnish European, 0.00026%; no homozygotes.

Submission:

Labcorp Genetics (formerly Invitae), Labcorp
Classification: Uncertain significance. Last evaluated: 2025-12-01. Review status: criteria provided, single submitter. Criteria: Invitae Variant Classification Sherloc (09022015). Collection method: clinical testing. Allele origin: germline.
Comment: This sequence change falls in intron 2 of the WFS1 gene. It does not directly change the encoded amino acid sequence of the WFS1 protein. It affects a nucleotide within the consensus splice site. This variant is not present in population databases (gnomAD no frequency). This variant has not been reported in the literature in individuals affected with WFS1-related conditions. Variants that disrupt the consensus splice site are a relatively common cause of aberrant splicing (PMID: 17576681, 9536098). Algorithms developed to predict the effect of sequence changes on RNA splicing suggest that this variant is not likely to affect RNA splicing. In summary, the available evidence is currently insufficient to determine the role of this variant in disease. Therefore, it has been classified as a Variant of Uncertain Significance.

Literature cited by the submitters: PubMed 17576681; PubMed 9536098.

NM_006005.3(WFS1):c.232+3A>G

Gene: WFS1 (wolframin ER transmembrane glycoprotein; plus strand). Cytogenetic location: 4p16.1.
Variant type: single nucleotide variant.
Coding change: c.232+3A>G on transcript NM_006005.3 (MANE Select); 3 bases into the intron after coding-DNA position 232, A replaced by G.
Molecular consequence: intron variant.
Genome position (GRCh38, 1-based): chr4:6,277,690, A>G. VCF-style: chr4-6277690-A-G. GRCh37 (hg19) VCF-style: chr4-6279417-A-G.
Other names: c.232+3A>G (NM_001145853.1).
Identifiers: ClinVar variation 4738314 (VCV004738314.1).
Genomic context (GRCh38, chr4:6,277,690, plus strand): 5'-GCCCCCGCTGAACCCCAGGCCCAGCATACCAGGAGCCGGGAAAGAGCAGACGGCACCGGT[A>G]AGGGAGCAGGCTGGGAAGCCCAGGCTGGGGATGTTCAGGGATAGCTGGGTGGGAACGGGG-3'